The following is an entry in ClinVar:

NM_001177693.2(ARHGEF28):c.698A>G (p.Gln233Arg)

Gene: ARHGEF28 (Rho guanine nucleotide exchange factor 28; plus strand). Cytogenetic location: 5q13.2.
Variant type: single nucleotide variant.
Coding change: c.698A>G on transcript NM_001177693.2 (MANE Select); coding-DNA position 698, A replaced by G.
Protein change: p.Gln233Arg; replaces glutamine 233 with arginine.
Molecular consequence: missense variant.
Genome position (GRCh38, 1-based): chr5:73,776,554, A>G. VCF-style: chr5-73776554-A-G. GRCh37 (hg19) VCF-style: chr5-73072379-A-G.
Other names: c.698A>G, p.Gln233Arg (NM_001080479.3, NM_001388078.1); c.404A>G, p.Gln135Arg (NM_001388076.1); short protein forms Q135R, Q233R.
Identifiers: ClinVar variation 3348852 (VCV003348852.1).

ClinVar aggregate classification (germline): Uncertain significance (0 of 4 stars; one submission).

Conditions:
ARHGEF28-related disorder. Also called: ARHGEF28-related condition.

gnomAD v4.1: 1 of 1,613,724 alleles (0.000062%); highest among the groups gnomAD compares: Admixed American, 0.0017%; no homozygotes.

Submission:

PreventionGenetics, part of Exact Sciences
Classification: Uncertain significance for ARHGEF28-related condition. Last evaluated: 2024-02-23. Review status: no assertion criteria provided. Collection method: clinical testing. Allele origin: germline.
Comment: The ARHGEF28 c.698A>G variant is predicted to result in the amino acid substitution p.Gln233Arg. To our knowledge, this variant has not been reported in the literature. This variant is reported in 0.0029% of alleles in individuals of Latino descent in gnomAD. At this time, the clinical significance of this variant is uncertain due to the absence of conclusive functional and genetic evidence.